The following is an entry in ClinVar:

NM_170707.4(LMNA):c.101A>C (p.Asp34Ala)

Genes: LMNA (lamin A/C; plus strand), LOC129931597 (ATAC-STARR-seq lymphoblastoid silent region 1421; plus strand). Cytogenetic location: 1q22.
Variant type: single nucleotide variant.
Coding change: c.101A>C on transcript NM_170707.4 (MANE Select); coding-DNA position 101, A replaced by C.
Protein change: p.Asp34Ala; replaces aspartic acid 34 with alanine.
Molecular consequence: missense variant. On other transcripts: 5 prime UTR variant (8), intron variant (2).
Genome position (GRCh38, 1-based): chr1:156,115,019, A>C. VCF-style: chr1-156115019-A-C. GRCh37 (hg19) VCF-style: chr1-156084810-A-C.
Other names: p.Asp34Ala; c.101A>C, p.Asp34Ala (NM_001282625.2, NM_001282626.2, NM_001406983.1 and 6 more transcripts); c.-323A>C (NM_001406986.1); c.-301A>C (NM_001406990.1, NM_001406995.1, NM_001407002.1); c.-564A>C (NM_001406994.1, NM_001407000.1); c.-744A>C (NM_001406999.1); c.-407A>C (NM_001407001.1); c.-203+8196A>C (NM_001406993.1, NM_001407003.1); short protein forms D34A.
Identifiers: ClinVar variation 4541589 (VCV004541589.1).

ClinVar aggregate classification (germline): Uncertain significance (1 of 4 stars; one submission).

Submission:

Mayo Clinic Laboratories, Mayo Clinic
Classification: Uncertain significance. Last evaluated: 2025-12-06. Review status: criteria provided, single submitter. Criteria: ACMG Guidelines, 2015. Collection method: clinical testing. Allele origin: germline. Observed: 1 variant allele.
Comment: PP3_moderate, PM2_supporting